The following is an entry in ClinVar:

ClinVar aggregate classification (germline): Likely pathogenic. Review status: criteria provided, multiple submitters, no conflicts (2 of 4 stars). 3 submissions from 3 submitters: Likely pathogenic (3). Last evaluated 2025-02-07.

Conditions:
Cardiovascular phenotype. Identifiers: MedGen CN230736.
TTN-related disorder. Also called: TTN-related condition; TTN-related disease; TTN-related disorders.
Dilated cardiomyopathy 1G (CMD1G). Identifiers: Orphanet 154, MedGen C1858763, MONDO:0011400, OMIM 604145.

Submissions (3):

Ambry Genetics
Classification: Likely pathogenic for Cardiovascular phenotype. Last evaluated: 2025-02-07. Review status: criteria provided, single submitter. Criteria: Ambry Variant Classification Scheme 2023. Collection method: clinical testing. Allele origin: germline.
Comment: The p.C14032* variant (also known as c.42096C>A), located in coding exon 151 of the TTN gene, results from a C to A substitution at nucleotide position 42096. This changes the amino acid from a cysteine to a stop codon within coding exon 151. This exon is located in the A-band region of the N2-B isoform of the titin protein and is constitutively expressed in TTN transcripts (percent spliced in or PSI 100%). This variant is considered to be rare based on population cohorts in the Genome Aggregation Database (gnomAD). This variant is expected to result in loss of function by premature protein truncation or nonsense-mediated mRNA decay. While truncating variants in TTN are present in 1-3% of the general population, truncating variants in the A-band are the most common cause of dilated cardiomyopathy (Herman DS et al. N. Engl. J. Med., 2012 Feb;366:619-28; Roberts AM et al. Sci Transl Med, 2015 Jan;7:270ra6). TTN truncating variants encoded in constitutive exons (PSI >90%) have been found to be significantly associated with DCM regardless of their position in titin (Schafer S et al. Nat. Genet., 2017 01;49:46-53; Akhtar MM et al. Circ Heart Fail, 2020 Oct;13:e006832; Massier M et al. Clin Genet, 2025 Jan). Based on the majority of available evidence to date, this variant is likely to be pathogenic.

Blueprint Genetics
Classification: Likely pathogenic for TTN-related disorders. Last evaluated: 2023-11-07. Review status: criteria provided, single submitter. Criteria: ACMG Guidelines, 2015. Collection method: clinical testing. Allele origin: germline. Affected: yes. Observed: 1 variant allele.

Clinical Genomics Laboratory, Washington University in St. Louis
Classification: Likely pathogenic for Dilated cardiomyopathy 1G. Last evaluated: 2023-11-07. Review status: criteria provided, single submitter. Criteria: ACMG Guidelines, 2015. Collection method: clinical testing. Allele origin: germline.
Comment: The TTN c.69291C>A (p.Cys23097Ter) variant, to our knowledge, has not been reported in an individual affected with a TTN-associated disease, but has been reported in one individual in a large scale review of individuals that were not selected for the presence of any disease and the phenotype of the identified individual was not specified (Haggerty CM et al., PMID: 31216868). This variant is absent from the general population (gnomAD v.2.1.1), indicating it is not a common variant. This variant causes a premature termination codon, which is predicted to lead to nonsense mediated decay. This variant is located in the A band of TTN and truncating variants in this region are significantly overrepresented in patients affected with dilated cardiomyopathy (Roberts AM et al., PMID: 25589632). Based on available information and the ACMG/AMP guidelines for variant interpretation (Richards S et al., PMID: 25741868), this variant is classified as likely pathogenic.

NM_001267550.2(TTN):c.69291C>A (p.Cys23097Ter)

Genes: TTN (titin; minus strand), TTN-AS1 (TTN antisense RNA 1; plus strand). Cytogenetic location: 2q31.2.
Variant type: single nucleotide variant.
Coding change: c.69291C>A on transcript NM_001267550.2 (MANE Select); coding-DNA position 69291, C replaced by A.
Protein change: p.Cys23097Ter; replaces cysteine 23097 with a stop codon.
Molecular consequence: nonsense.
Genome position (GRCh38, 1-based): chr2:178,577,044, G>T on the plus strand (C>A on the coding strand, the complement: TTN is on the minus strand). VCF-style: chr2-178577044-G-T. GRCh37 (hg19) VCF-style: chr2-179441771-G-T.
Other names: c.64368C>A, p.Cys21456Ter (NM_001256850.1); c.42096C>A, p.Cys14032Ter (NM_003319.4); c.61587C>A, p.Cys20529Ter (NM_133378.4); c.42471C>A, p.Cys14157Ter (NM_133432.3); c.42672C>A, p.Cys14224Ter (NM_133437.4); short protein forms C14032*, C14157*, C14224*, C20529*, C21456*, C23097*.
Identifiers: ClinVar variation 3236596 (VCV003236596.3), dbSNP rs2468761188, ClinGen allele CA349669253.